The following is an entry in ClinVar:

NM_004336.5(BUB1):c.757G>A (p.Glu253Lys)

Gene: BUB1 (BUB1 mitotic checkpoint serine/threonine kinase; minus strand). Cytogenetic location: 2q13.
Variant type: single nucleotide variant.
Coding change: c.757G>A on transcript NM_004336.5 (MANE Select); coding-DNA position 757, G replaced by A.
Protein change: p.Glu253Lys; replaces glutamic acid 253 with lysine.
Molecular consequence: missense variant.
Genome position (GRCh38, 1-based): chr2:110,667,569, C>T on the plus strand (G>A on the coding strand, the complement: BUB1 is on the minus strand). VCF-style: chr2-110667569-C-T. GRCh37 (hg19) VCF-style: chr2-111425146-C-T.
Other names: c.697G>A, p.Glu233Lys (NM_001278616.2); c.757G>A, p.Glu253Lys (NM_001278617.2); short protein forms E253K, E233K.
Identifiers: ClinVar variation 1759614 (VCV001759614.3), dbSNP rs2468028092, ClinGen allele CA348217560.

ClinVar aggregate classification (germline): Uncertain significance (1 of 4 stars; one submission).

Submission:

Ambry Genetics
Classification: Uncertain significance. Last evaluated: 2024-04-19. Review status: criteria provided, single submitter. Criteria: Ambry Variant Classification Scheme 2023. Collection method: clinical testing. Allele origin: germline.
Comment: The p.E253K variant (also known as c.757G>A), located in coding exon 8 of the BUB1 gene, results from a G to A substitution at nucleotide position 757. The glutamic acid at codon 253 is replaced by lysine, an amino acid with similar properties. This amino acid position is conserved. In addition, the in silico prediction for this alteration is inconclusive. Since supporting evidence is limited at this time, the clinical significance of this alteration remains unclear.